The following is an entry in ClinVar:

ClinVar aggregate classification (germline): Uncertain significance. Review status: criteria provided, multiple submitters, no conflicts (2 of 4 stars). 3 submissions from 3 submitters: Uncertain significance (2). 1 of the submissions does not count toward it. Last evaluated 2025-03-31.

Conditions:
Mucopolysaccharidosis, MPS-III-C (MPS3C). Also called: MPS IIIC (Sanfilippo Syndrome Type C); MUCOPOLYSACCHARIDOSIS, TYPE IIIC; Mucopolysaccharidosis type IIIC (Sanfilippo C); mucopolysaccharidosis type 3C; SANFILIPPO SYNDROME C; MPS III C. Identifiers: Orphanet 581, Orphanet 79271, MedGen C0086649, MONDO:0009657, OMIM 252930.
Retinitis pigmentosa 73 (RP73). Identifiers: Orphanet 791, MedGen C4225287, MONDO:0014687, OMIM 616544.
Inborn genetic diseases. Identifiers: MedGen C0950123, MeSH D030342.

Submissions (3):

Labcorp Genetics (formerly Invitae), Labcorp
Classification: Uncertain significance for Retinitis pigmentosa 73; Mucopolysaccharidosis, MPS-III-C. Last evaluated: 2025-03-31. Review status: criteria provided, single submitter. Criteria: Invitae Variant Classification Sherloc (09022015). Collection method: clinical testing. Allele origin: germline.
Comment: This sequence change replaces arginine, which is basic and polar, with leucine, which is neutral and non-polar, at codon 384 of the HGSNAT protein (p.Arg384Leu). This variant is present in population databases (no rsID available, gnomAD 0.007%). This variant has not been reported in the literature in individuals affected with HGSNAT-related conditions. ClinVar contains an entry for this variant (Variation ID: 1039049). Invitae Evidence Modeling of protein sequence and biophysical properties (such as structural, functional, and spatial information, amino acid conservation, physicochemical variation, residue mobility, and thermodynamic stability) indicates that this missense variant is not expected to disrupt HGSNAT protein function with a negative predictive value of 95%. Algorithms developed to predict the effect of sequence changes on RNA splicing suggest that this variant may disrupt the consensus splice site. In summary, the available evidence is currently insufficient to determine the role of this variant in disease. Therefore, it has been classified as a Variant of Uncertain Significance.

Ambry Genetics
Classification: Uncertain significance for Inborn genetic diseases. Last evaluated: 2020-11-05. Review status: criteria provided, single submitter. Criteria: Ambry Variant Classification Scheme 2023. Collection method: clinical testing. Allele origin: germline.
Comment: The c.1151G>T (p.R384L) alteration is located in exon 12 (coding exon 12) of the HGSNAT gene. This alteration results from a G to T substitution at nucleotide position 1151, causing the arginine (R) at amino acid position 384 to be replaced by a leucine (L). Based on data from the Genome Aggregation Database (gnomAD) database, the HGSNAT c.1151G>T alteration was observed in 0.0032% (1/31382) of total alleles studied. This amino acid position is not well conserved in available vertebrate species. The p.R384L alteration is predicted to be tolerated by in silico analysis. Based on insufficient or conflicting evidence, the clinical significance of this alteration remains unclear.

Natera, Inc.
Classification: Uncertain significance for Mucopolysaccharidosis type IIIC. Last evaluated: 2021-07-12. Review status: no assertion criteria provided. Collection method: clinical testing. Allele origin: germline. Not counted in ClinVar's aggregate classification.

NM_152419.3(HGSNAT):c.1151G>T (p.Arg384Leu)

Gene: HGSNAT (heparan-alpha-glucosaminide N-acetyltransferase; plus strand). Cytogenetic location: 8p11.21.
Variant type: single nucleotide variant.
Coding change: c.1151G>T on transcript NM_152419.3 (MANE Select); coding-DNA position 1151, G replaced by T.
Protein change: p.Arg384Leu; replaces arginine 384 with leucine.
Molecular consequence: missense variant.
Genome position (GRCh38, 1-based): chr8:43,191,496, G>T. VCF-style: chr8-43191496-G-T. GRCh37 (hg19) VCF-style: chr8-43046639-G-T.
Other names: c.1151G>T, p.Arg384Leu (NM_001363227.2); c.959G>T, p.Arg320Leu (NM_001363228.2); c.287G>T, p.Arg96Leu (NM_001363229.2); c.1151G>T (NM_152419.2); short protein forms R320L, R384L, R96L.
Identifiers: ClinVar variation 1039049 (VCV001039049.6), dbSNP rs377486419, ClinGen allele CA371118988.